The following is an entry in ClinVar:

NM_017617.5(NOTCH1):c.5473-43T>C

Gene: NOTCH1 (notch receptor 1; minus strand). Cytogenetic location: 9q34.3.
Variant type: single nucleotide variant.
Coding change: c.5473-43T>C on transcript NM_017617.5 (MANE Select); 43 bases into the intron before coding-DNA position 5473, T replaced by C.
Molecular consequence: intron variant.
Genome position (GRCh38, 1-based): chr9:136,501,956, A>G on the plus strand (T>C on the coding strand, the complement: NOTCH1 is on the minus strand). VCF-style: chr9-136501956-A-G. GRCh37 (hg19) VCF-style: chr9-139396408-A-G.
Identifiers: ClinVar variation 678568 (VCV000678568.4), dbSNP rs3124594, ClinGen allele CA5340243.

ClinVar aggregate classification (germline): Benign. Review status: criteria provided, multiple submitters, no conflicts (2 of 4 stars). 4 submissions from 3 submitters: Benign (4). Last evaluated 2021-09-05.

Conditions:
Adams-Oliver syndrome 5 (AOS5). Identifiers: Orphanet 974, MedGen C4014970, MONDO:0014459, OMIM 616028.
Aortic valve disease 1 (AOVD1). Identifiers: MedGen C3887892, MONDO:0024523, OMIM 109730.

Allele frequency attached by ClinVar (database versions not stated): gnomAD exomes 0.52218 and 0.59262; ExAC 0.59204; ESP Exome Variant Server 0.61104; gnomAD 0.62391 and 0.62707; TOPMed 0.64931; 1000 Genomes Project 0.74161; 1000 Genomes Project 30x 0.74329.
gnomAD v4.1: 859,385 of 1,611,308 alleles (53%); highest among the groups gnomAD compares: East Asian, 87%; 239,352 homozygotes.

Submissions (4):

Genome-Nilou Lab
Classification: Benign for Adams-Oliver syndrome 5. Last evaluated: 2021-09-05. Review status: criteria provided, single submitter. Criteria: ACMG Guidelines, 2015. Collection method: clinical testing. Allele origin: germline. Affected: no.

Genome-Nilou Lab
Classification: Benign for Aortic valve disease 1. Last evaluated: 2021-09-05. Review status: criteria provided, single submitter. Criteria: ACMG Guidelines, 2015. Collection method: clinical testing. Allele origin: germline. Affected: no.

GeneDx
Classification: Benign. Last evaluated: 2018-06-18. Review status: criteria provided, single submitter. Criteria: GeneDx Variant Classification (06012015). Collection method: clinical testing. Allele origin: germline. Affected: yes.
Comment: This variant is considered likely benign or benign based on one or more of the following criteria: it is a conservative change, it occurs at a poorly conserved position in the protein, it is predicted to be benign by multiple in silico algorithms, and/or has population frequency not consistent with disease.

Breakthrough Genomics
Classification: Benign. Review status: criteria provided, single submitter. Criteria: ACMG Guidelines, 2015. Collection method: not provided. Allele origin: germline. Inheritance: Autosomal dominant inheritance. Affected: yes.